The following is an entry in ClinVar:

ClinVar aggregate classification (germline): Uncertain significance (1 of 4 stars; one submission).

Conditions:
Bethlem myopathy 1A. Also called: MYOPATHY, BENIGN CONGENITAL, WITH CONTRACTURES; Bethlem Muscular Dystrophy; Bethlem myopathy 1. Identifiers: Orphanet 610, MedGen CN029274, MONDO:0024530, OMIM 158810.

Allele frequency attached by ClinVar (database versions not stated): gnomAD 0.00001; ESP Exome Variant Server 0.00008.
gnomAD v4.1: 2 of 1,612,454 alleles (0.00012%); highest among the groups gnomAD compares: African/African-American, 0.0013%; no homozygotes.

Submission:

Labcorp Genetics (formerly Invitae), Labcorp
Classification: Uncertain significance for Bethlem myopathy 1A. Last evaluated: 2017-08-05. Review status: criteria provided, single submitter. Criteria: Invitae Variant Classification Sherloc (09022015). Collection method: clinical testing. Allele origin: germline.
Comment: In summary, the available evidence is currently insufficient to determine the role of this variant in disease. Therefore, it has been classified as a Variant of Uncertain Significance. Algorithms developed to predict the effect of missense changes on protein structure and function do not agree on the potential impact of this missense change (SIFT: "Deleterious"; PolyPhen-2: "Probably Damaging"; Align-GVGD: "Class C0"). This variant has not been reported in the literature in individuals with COL6A2-related disease. This variant is present in population databases (rs141919484, ExAC 0.01%). This sequence change replaces valine with glycine at codon 638 of the COL6A2 protein (p.Val638Gly). The valine residue is highly conserved and there is a moderate physicochemical difference between valine and glycine.

NM_001849.4(COL6A2):c.1913T>G (p.Val638Gly)

Gene: COL6A2 (collagen type VI alpha 2 chain; plus strand). Cytogenetic location: 21q22.3.
Variant type: single nucleotide variant.
Coding change: c.1913T>G on transcript NM_001849.4 (MANE Select); coding-DNA position 1913, T replaced by G.
Protein change: p.Val638Gly; replaces valine 638 with glycine.
Molecular consequence: missense variant.
Genome position (GRCh38, 1-based): chr21:46,125,561, T>G. VCF-style: chr21-46125561-T-G. GRCh37 (hg19) VCF-style: chr21-47545475-T-G.
Other names: c.1913T>G, p.Val638Gly (NM_058174.3, NM_058175.3); short protein forms V638G.
Identifiers: ClinVar variation 542960 (VCV000542960.9), dbSNP rs141919484, ClinGen allele CA10072330.